The following is an entry in ClinVar:

NM_138691.3(TMC1):c.1763+3A>G

Gene: TMC1 (transmembrane channel like 1; plus strand). Cytogenetic location: 9q21.13.
Variant type: single nucleotide variant.
Coding change: c.1763+3A>G on transcript NM_138691.3 (MANE Select); 3 bases into the intron after coding-DNA position 1763, A replaced by G.
Molecular consequence: intron variant.
Genome position (GRCh38, 1-based): chr9:72,816,213, A>G. VCF-style: chr9-72816213-A-G. GRCh37 (hg19) VCF-style: chr9-75431129-A-G.
Identifiers: ClinVar variation 47864 (VCV000047864.34), dbSNP rs370898981, ClinGen allele CA261928.

ClinVar aggregate classification (germline): Pathogenic/Likely pathogenic. Review status: criteria provided, multiple submitters, no conflicts (2 of 4 stars). 18 submissions from 18 submitters: Pathogenic (11); Likely pathogenic (4). 3 of the submissions do not count toward it. Last evaluated 2026-04-30.

Conditions:
Prelingual sensorineural hearing impairment. Identifiers: MedGen C4021806, HP:0000399.
TMC1-related disorder. Also called: TMC1-related condition; TMC1-related disorders.
Monogenic hearing loss.
Rare genetic deafness. Identifiers: Orphanet 96210, MedGen C5680250.
Nonsyndromic genetic hearing loss. Also called: Nonsyndromic genetic deafness; Non-syndromic genetic deafness; Nonsyndromic hearing loss and deafness. Identifiers: Orphanet 87884, MedGen C5680182, MONDO:0019497.
Autosomal recessive nonsyndromic hearing loss 7. Also called: DEAFNESS, AUTOSOMAL RECESSIVE 11. Identifiers: Orphanet 90636, MedGen C1832978, MONDO:0010967, OMIM 600974.
Autosomal dominant nonsyndromic hearing loss 36. Identifiers: Orphanet 90635, MedGen C1847626, MONDO:0011708, OMIM 606705.

Allele frequency attached by ClinVar (database versions not stated): gnomAD exomes 0.00061 and 0.00079; ExAC 0.00080; 1000 Genomes Project 30x 0.00016; 1000 Genomes Project 0.00020; gnomAD 0.00051 and 0.00056; ESP Exome Variant Server 0.00031; TOPMed 0.00044.
gnomAD v4.1: 1,226 of 1,613,382 alleles (0.076%); highest among the groups gnomAD compares: Non-Finnish European, 0.092%; no homozygotes.

Submissions 1 to 12 of 18:

Laboratory of Molecular, Cellular and Translation Genetics in Otolaryngology/ Lim32-hcfmusp, University of Sao Paulo School of Medicine Clinics Hospital
Classification: Likely pathogenic for Prelingual sensorineural hearing impairment. Last evaluated: 2026-04-30. Review status: criteria provided, single submitter. Criteria: ACMG Guidelines, 2015. Collection method: research. Allele origin: germline. Affected: yes.
Comment: NM_138691.3:c.1763+3A>G. This variant has been classified as likely pathogenic. It is rare in population databases (PM2_supporting), and in silico prediction tools support a deleterious effect on splicing (PP3_moderate). It has been repeatedly reported in trans with other pathogenic TMC1 variants (PM3) and shown to segregate with hearing loss in affected families (PP1). However, as a second pathogenic variant in TMC1 was not identified, the available evidence is insufficient to establish a definitive causal association in this individual as described in PMID: 42233699.

PreventionGenetics, part of Exact Sciences
Classification: Pathogenic for TMC1-related condition. Last evaluated: 2026-02-24. Review status: criteria provided, single submitter. Criteria: ACMG Guidelines, 2015. Collection method: clinical testing. Allele origin: germline.
Comment: The TMC1 c.1763+3A>G variant is predicted to interfere with splicing. This variant is predicted to decrease the strength of the canonical splice donor site (SpliceAI, Jaganathan et al. 2019. PubMed ID: 30661751). This variant has been reported in the homozygous state and compound heterozygous state along with a truncating variant in patients with nonsyndromic hearing loss, and functional studies confirmed the defect in splicing (Table S1, van Beeck Calkoen et al. 2019. PubMed ID: 31152317; de Heer et al. 2011. PubMed ID: 21252500). This variant is reported in 0.12% of alleles in individuals of European (Finnish) descent in gnomAD. This variant is interpreted as pathogenic.

Labcorp Genetics (formerly Invitae), Labcorp
Classification: Pathogenic. Last evaluated: 2026-01-11. Review status: criteria provided, single submitter. Criteria: Invitae Variant Classification Sherloc (09022015). Collection method: clinical testing. Allele origin: germline.
Comment: This sequence change falls in intron 19 of the TMC1 gene. It does not directly change the encoded amino acid sequence of the TMC1 protein. RNA analysis indicates that this variant induces altered splicing and may result in an absent or altered protein product. This variant is present in population databases (rs370898981, gnomAD 0.1%), and has an allele count higher than expected for a pathogenic variant. This variant has been observed in individual(s) with autosomal recessive deafness (PMID: 21252500). It has also been observed to segregate with disease in related individuals. ClinVar contains an entry for this variant (Variation ID: 47864). Variants that disrupt the consensus splice site are a relatively common cause of aberrant splicing (PMID: 17576681, 9536098). Studies have shown that this variant results in the activation of a cryptic splice site resulting in the addition of 47 nucleotides from the intron and a subsequent frameshift, and produces a non-functional protein and/or introduces a premature termination codon (PMID: 21252500). For these reasons, this variant has been classified as Pathogenic.

Genetics Laboratory, Great Ormond Street Hospital NHS Foundation Trust, North Thames Genomic Laboratory Hub
Classification: Pathogenic for Monogenic hearing loss. Last evaluated: 2025-10-15. Review status: criteria provided, single submitter. Criteria: ACGS Best Practice Guidelines for Variant Classification in Rare Disease 2024 v1.2. Collection method: clinical testing. Allele origin: germline. Affected: yes.
Comment: PP3_supporting, PS3_strong, PP1_strong, PM3_strong

Variantyx, Inc.
Classification: Likely pathogenic for Autosomal recessive nonsyndromic hearing loss 7. Last evaluated: 2025-06-30. Review status: criteria provided, single submitter. Criteria: Variantyx Assertion Criteria 2022. Collection method: clinical testing. Allele origin: germline. Inheritance: Autosomal recessive inheritance. Affected: yes.
Comment: This is an intronic variant in the TMC1 gene (OMIM: 606706). Pathogenic variants in this gene have been associated with autosomal recessive deafness 7. This variant has been identified in the homozygous or compound heterozygous state in at least 2 individuals reported in the published literature (PMID: 21252500, 31152317) (PM3) and has been observed to segregate with disease in at least 3 individuals from 1 family (PMID: 21252500) (PP1). This variant has a 0.0920% maximum allele frequency in non-founder control populations (PM2). Based on the current evidence, this variant is classified as likely pathogenic for autosomal recessive deafness 7.

Blueprint Genetics
Classification: Pathogenic for TMC1-related disorders. Last evaluated: 2024-11-12. Review status: criteria provided, single submitter. Criteria: ACMG Guidelines, 2015. Collection method: clinical testing. Allele origin: germline. Affected: yes. Observed: 5 variant alleles.

Women's Health and Genetics/Laboratory Corporation of America, LabCorp
Classification: Pathogenic for Nonsyndromic genetic hearing loss. Last evaluated: 2024-09-04. Review status: criteria provided, single submitter. Criteria: LabCorp Variant Classification Summary - May 2015. Collection method: clinical testing. Allele origin: germline.
Comment: Variant summary: TMC1 c.1763+3A>G alters a nucleotide located close to a canonical splice site and therefore could affect mRNA splicing, leading to a significantly altered protein sequence. Several computational tools predict a significant impact on normal splicing: Two predict the variant abolishes a 5' splicing donor site. Two predict the variant weakens a 5' donor site. At least one publication reports experimental evidence that this variant affects mRNA splicing (de Heer_2011). The variant allele was found at a frequency of 0.00061 in 251290 control chromosomes (gnomAD). This frequency is not significantly higher than estimated for a pathogenic variant in TMC1 causing Nonsyndromic Hearing Loss And Deafness, Type 7 (0.00061 vs 0.0011), allowing no conclusion about variant significance. c.1763+3A>G has been reported in the literature in multiple individuals affected with Nonsyndromic Hearing Loss And Deafness, Type 7 and this variant co-segregated with the disease (de Heer_2011, Kraatari-Tiri_2022). These data indicate that the variant is very likely to be associated with disease. The following publications have been ascertained in the context of this evaluation (PMID: 35407445, 21252500). ClinVar contains an entry for this variant (Variation ID: 47864). Based on the evidence outlined above, the variant was classified as pathogenic.

Fulgent Genetics
Classification: Likely pathogenic for Autosomal recessive nonsyndromic hearing loss 7; Autosomal dominant nonsyndromic hearing loss 36. Last evaluated: 2024-05-06. Review status: criteria provided, single submitter. Criteria: ACMG Guidelines, 2015. Collection method: clinical testing. Allele origin: germline.

3billion
Classification: Pathogenic for Autosomal recessive nonsyndromic hearing loss 7. Last evaluated: 2023-10-12. Review status: criteria provided, single submitter. Criteria: ACMG Guidelines, 2015. Collection method: clinical testing. Allele origin: germline. Affected: yes.
Comment: The variant is observed at an extremely low frequency in the gnomAD v2.1.1 dataset (total allele frequency: 0.061%). Predicted Consequence/Location: Intron variant: previously reported to alter splicing and result in a loss of normal protein fucnction through nonsense-mediated decay (NMD) or protein truncation (PMID: 21252500). Intron variant: previously reported to alter splicing and result in a loss of normal protein fucnction through nonsense-mediated decay (NMD) or protein truncation (PMID: 21252500). Therefore, this variant is classified as Pathogenic according to the recommendation of ACMG/AMP guideline.

Department of Pathology and Laboratory Medicine, Sinai Health System
Classification: Pathogenic for Autosomal recessive nonsyndromic hearing loss 7; Autosomal dominant nonsyndromic hearing loss 36. Last evaluated: 2022-07-21. Review status: criteria provided, single submitter. Criteria: ACMG Guidelines, 2015. Collection method: research. Allele origin: germline.

GeneDx
Classification: Pathogenic. Last evaluated: 2022-06-27. Review status: criteria provided, single submitter. Criteria: GeneDx Variant Classification Process June 2021. Collection method: clinical testing. Allele origin: germline. Affected: yes.
Comment: Non-canonical splice site variant demonstrated to result in loss-of-function; aberrant splicing results in a 47 base pair extension of exon 19, causing a frameshift, leading to a premature stop codon in exon 20 and the incorporation of 81 aberrant amino acids in the protein (de Heer et al., 2011); This variant is associated with the following publications: (PMID: 31980526, 33352559, 24933710, 34758253, 23208854, 21252500, 31152317)

Revvity Omics, Revvity
Classification: Pathogenic. Last evaluated: 2021-11-01. Review status: criteria provided, single submitter. Criteria: ACMG Guidelines, 2015. Collection method: clinical testing. Allele origin: germline.